The following is an entry in ClinVar:

ClinVar aggregate classification (germline): Uncertain significance (1 of 4 stars; one submission).

Submission:

Ambry Genetics
Classification: Uncertain significance. Last evaluated: 2021-11-22. Review status: criteria provided, single submitter. Criteria: Ambry Variant Classification Scheme 2023. Collection method: clinical testing. Allele origin: germline.
Comment: The p.R129L variant (also known as c.386G>T), located in coding exon 1 of the TERF2IP gene, results from a G to T substitution at nucleotide position 386. The arginine at codon 129 is replaced by leucine, an amino acid with dissimilar properties. This amino acid position is conserved. In addition, this alteration is predicted to be tolerated by in silico analysis. Since supporting evidence is limited at this time, the clinical significance of this alteration remains unclear.

NM_018975.4(TERF2IP):c.386G>T (p.Arg129Leu)

Gene: TERF2IP (TERF2 interacting protein; plus strand). Cytogenetic location: 16q23.1.
Variant type: single nucleotide variant.
Coding change: c.386G>T on transcript NM_018975.4 (MANE Select); coding-DNA position 386, G replaced by T.
Protein change: p.Arg129Leu; replaces arginine 129 with leucine.
Molecular consequence: missense variant. On other transcripts: non-coding transcript variant (1).
Genome position (GRCh38, 1-based): chr16:75,648,268, G>T. VCF-style: chr16-75648268-G-T. GRCh37 (hg19) VCF-style: chr16-75682166-G-T.
Other names: short protein forms R129L.
Identifiers: ClinVar variation 1735688 (VCV001735688.2), dbSNP rs1176198497, ClinGen allele CA396817797.
Genomic context (GRCh38, chr16:75,648,268, plus strand): 5'-CCGGCTCGGAAGCAAAGCCCGGGGCCCTGGCCGAGGGCGCCGCGGAGCCGGAGCCGCAGC[G>T]GCACGCCGGGCGGATCGCCTTCACGGATGCGGACGACGTAGCCATCCTTACCTACGTGAA-3'
Protein context (NP_061848.2, residues 119-139): AEGAAEPEPQ[Arg129Leu]HAGRIAFTDA